The following is an entry in ClinVar:

ClinVar aggregate classification (germline): Likely pathogenic. Review status: criteria provided, multiple submitters, no conflicts (2 of 4 stars). 2 submissions from 2 submitters: Likely pathogenic (2). Last evaluated 2022-01-28.

Submissions (2):

Revvity Omics, Revvity
Classification: Likely pathogenic. Last evaluated: 2022-01-28. Review status: criteria provided, single submitter. Criteria: ACMG Guidelines, 2015. Collection method: clinical testing. Allele origin: germline.

GeneDx
Classification: Likely pathogenic. Last evaluated: 2020-10-22. Review status: criteria provided, single submitter. Criteria: GeneDx Variant Classification Process June 2021. Collection method: clinical testing. Allele origin: germline. Affected: yes.
Comment: Frameshift variant predicted to result in protein truncation, as the last 148 amino acids are replaced with 12 different amino acids, and other loss-of-function variants have been reported downstream in the Human Gene Mutation Database (Stenson et al., 2014); Not observed in large population cohorts (Lek et al., 2016); Has not been previously published as pathogenic or benign to our knowledge

NM_001010867.4(IBA57):c.625_650del (p.Pro209fs)

Gene: IBA57 (iron-sulfur cluster assembly factor IBA57; plus strand). Cytogenetic location: 1q42.13.
Variant type: Deletion.
Coding change: c.625_650del on transcript NM_001010867.4 (MANE Select); coding-DNA positions 625 to 650, 26 bases deleted (CCCGGGGGCCGGCTCGGGGACTTGTG).
Protein change: p.Pro209fs; shifts the reading frame from proline 209.
Molecular consequence: frameshift variant.
Genome position (GRCh38, 1-based): chr1:228,174,975-228,175,000, CCCGGGGGCCGGCTCGGGGACTTGTG deleted; deleting any 26 consecutive bases within chr1:228,174,972-228,175,000 gives the same sequence; the c. name uses the placement nearest the transcript's 3' end. VCF-style (leftmost placement, unchanged base first): chr1-228174971-GGTGCCCGGGGGCCGGCTCGGGGACTT-G. GRCh37 (hg19) VCF-style: chr1-228362672-GGTGCCCGGGGGCCGGCTCGGGGACTT-G.
Other names: c.46_71del, p.Pro16fs (NM_001310327.2); c.625_650del26 (NM_001010867.2); short protein forms P16fs, P209fs.
Identifiers: ClinVar variation 817063 (VCV000817063.5), dbSNP rs1364436691, ClinGen allele CA732472333.